The following is an entry in ClinVar:

NM_032888.4(COL27A1):c.4200C>T (p.Gly1400=)

Genes: COL27A1 (collagen type XXVII alpha 1 chain; plus strand), LOC126860736 (MED14-independent group 3 enhancer GRCh37_chr9:117050487-117051686; plus strand). Cytogenetic location: 9q32.
Variant type: single nucleotide variant.
Coding change: c.4200C>T on transcript NM_032888.4 (MANE Select); coding-DNA position 4200, C replaced by T.
Protein change: p.Gly1400=; no amino-acid change (glycine 1400 retained).
Molecular consequence: synonymous variant.
Genome position (GRCh38, 1-based): chr9:114,289,289, C>T. VCF-style: chr9-114289289-C-T. GRCh37 (hg19) VCF-style: chr9-117051569-C-T.
Identifiers: ClinVar variation 2199488 (VCV002199488.1), dbSNP rs376968378, ClinGen allele CA5202850.

ClinVar aggregate classification (germline): Uncertain significance (1 of 4 stars; one submission).

Allele frequency attached by ClinVar (database versions not stated): gnomAD 0.00005; ExAC 0.00006; TOPMed 0.00006; ESP Exome Variant Server 0.00008.
gnomAD v4.1: 91 of 1,589,338 alleles (0.0057%); highest among the groups gnomAD compares: Middle Eastern, 0.017%; no homozygotes.

Submission:

Labcorp Genetics (formerly Invitae), Labcorp
Classification: Uncertain significance. Last evaluated: 2022-04-15. Review status: criteria provided, single submitter. Criteria: Invitae Variant Classification Sherloc (09022015). Collection method: clinical testing. Allele origin: germline.
Comment: This sequence change replaces glycine, which is neutral and non-polar, with glycine, which is neutral and non-polar, at codon 1400 of the COL27A1 protein (Silent). This variant is present in population databases (rs376968378, gnomAD 0.08%). This variant has not been reported in the literature in individuals affected with COL27A1-related conditions. Algorithms developed to predict the effect of sequence changes on RNA splicing suggest that this variant is not likely to affect RNA splicing. In summary, the available evidence is currently insufficient to determine the role of this variant in disease. Therefore, it has been classified as a Variant of Uncertain Significance.